The following is an entry in ClinVar:

ClinVar aggregate classification (germline): Uncertain significance. Review status: criteria provided, multiple submitters, no conflicts (2 of 4 stars). 3 submissions from 3 submitters: Uncertain significance (3). Last evaluated 2025-12-01.

Conditions:
Imerslund-Grasbeck syndrome. Also called: Imerslund-Gräsbeck syndrome; ENTEROCYTE COBALAMIN MALABSORPTION; ENTEROCYTE INTRINSIC FACTOR RECEPTOR, DEFECT OF; PERNICIOUS ANEMIA, JUVENILE, DUE TO SELECTIVE INTESTINAL MALABSORPTION OF VITAMIN B12, WITH PROTEINURIA; Megaloblastic anemia due to inborn errors of metabolism. Identifiers: Orphanet 35858, MedGen C4551825, MONDO:0009853.
Proteinuria, chronic benign. Identifiers: MedGen C5394384, MONDO:0030042, OMIM 618884.

Allele frequency attached by ClinVar (database versions not stated): gnomAD exomes 0.00001; TOPMed 0.00001.
gnomAD v4.1: 23 of 1,613,888 alleles (0.0014%); highest among the groups gnomAD compares: East Asian, 0.0022%; no homozygotes.

Submissions (3):

Labcorp Genetics (formerly Invitae), Labcorp
Classification: Uncertain significance for Imerslund-Grasbeck syndrome. Last evaluated: 2025-12-01. Review status: criteria provided, single submitter. Criteria: Invitae Variant Classification Sherloc (09022015). Collection method: clinical testing. Allele origin: germline.
Comment: This sequence change replaces tyrosine, which is neutral and polar, with cysteine, which is neutral and slightly polar, at codon 1913 of the CUBN protein (p.Tyr1913Cys). This variant is present in population databases (no rsID available, gnomAD 0.006%). This variant has not been reported in the literature in individuals affected with CUBN-related conditions. ClinVar contains an entry for this variant (Variation ID: 2417566). Invitae Evidence Modeling of protein sequence and biophysical properties (such as structural, functional, and spatial information, amino acid conservation, physicochemical variation, residue mobility, and thermodynamic stability) has been performed for this missense variant. However, the output from this modeling did not meet the statistical confidence thresholds required to predict the impact of this variant on CUBN protein function. In summary, the available evidence is currently insufficient to determine the role of this variant in disease. Therefore, it has been classified as a Variant of Uncertain Significance.

MVZ Medizinische Genetik Mainz
Classification: Uncertain significance for Proteinuria, chronic benign. Last evaluated: 2024-07-30. Review status: criteria provided, single submitter. Criteria: UK Practice Guidelines For Variant Classification V4 01 2020. Collection method: clinical testing. Allele origin: germline. Inheritance: Autosomal recessive inheritance. Affected: yes. Observed: 1 variant allele.
Comment: ACMG Criteria: PM1,PM2_SUP

Mayo Clinic Laboratories, Mayo Clinic
Classification: Uncertain significance. Last evaluated: 2023-09-01. Review status: criteria provided, single submitter. Criteria: ACMG Guidelines, 2015. Collection method: clinical testing. Allele origin: germline. Observed: 1 variant allele.
Comment: PM2

NM_001081.4(CUBN):c.5738A>G (p.Tyr1913Cys)

Gene: CUBN (cubilin; minus strand). Cytogenetic location: 10p13.
Variant type: single nucleotide variant.
Coding change: c.5738A>G on transcript NM_001081.4 (MANE Select); coding-DNA position 5738, A replaced by G.
Protein change: p.Tyr1913Cys; replaces tyrosine 1913 with cysteine.
Molecular consequence: missense variant.
Genome position (GRCh38, 1-based): chr10:16,937,780, T>C on the plus strand (A>G on the coding strand, the complement: CUBN is on the minus strand). VCF-style: chr10-16937780-T-C. GRCh37 (hg19) VCF-style: chr10-16979779-T-C.
Other names: p.Tyr1913Cys; short protein forms Y1913C.
Identifiers: ClinVar variation 2417566 (VCV002417566.8), dbSNP rs1474834640, ClinGen allele CA376155570.
Genomic context (GRCh38, chr10:16,937,780, plus strand): 5'-GATTCAGTCTGGGTACCACAGTAAGCTCCAATTAGGCGGGCGTGAATGCTAGGCCCATCA[T>C]AGATCTGTACATAAAAACAGATAATAGAGCATTGTATTATCTATATTTTTCTTCATAAAA-3'
Protein context (NP_001072.2, residues 1903-1923): QNCYYDKLRI[Tyr1913Cys]DGPSIHARLI